The following is an entry in ClinVar:

ClinVar aggregate classification (germline): Uncertain significance (1 of 4 stars; one submission).

gnomAD v4.1: 8 of 1,550,580 alleles (0.00052%); highest among the groups gnomAD compares: East Asian, 0.017%; no homozygotes.

Submission:

CeGaT Center for Human Genetics Tuebingen
Classification: Uncertain significance. Last evaluated: 2026-06-01. Review status: criteria provided, single submitter. Criteria: CeGaT Center For Human Genetics Tuebingen Variant Classification Criteria Version 2. Collection method: clinical testing. Allele origin: germline. Affected: yes. Observed: 1 variant allele.
Comment: OTOG: PM2, BP4

NM_001292063.2(OTOG):c.6403A>G (p.Thr2135Ala)

Gene: OTOG (otogelin; plus strand). Cytogenetic location: 11p15.1.
Variant type: single nucleotide variant.
Coding change: c.6403A>G on transcript NM_001292063.2 (MANE Select); coding-DNA position 6403, A replaced by G.
Protein change: p.Thr2135Ala; replaces threonine 2135 with alanine.
Molecular consequence: missense variant.
Genome position (GRCh38, 1-based): chr11:17,612,730, A>G. VCF-style: chr11-17612730-A-G. GRCh37 (hg19) VCF-style: chr11-17634277-A-G.
Other names: c.6439A>G, p.Thr2147Ala (NM_001277269.2); short protein forms T2135A, T2147A.
Identifiers: ClinVar variation 4874082 (VCV004874082.2).